The following is an entry in ClinVar:

NM_012062.5(DNM1L):c.46A>G (p.Asn16Asp)

Gene: DNM1L (dynamin 1 like; plus strand). Cytogenetic location: 12p11.21.
Variant type: single nucleotide variant.
Coding change: c.46A>G on transcript NM_012062.5 (MANE Select); coding-DNA position 46, A replaced by G.
Protein change: p.Asn16Asp; replaces asparagine 16 with aspartic acid.
Molecular consequence: missense variant. On other transcripts: 5 prime UTR variant (1).
Genome position (GRCh38, 1-based): chr12:32,679,409, A>G. VCF-style: chr12-32679409-A-G. GRCh37 (hg19) VCF-style: chr12-32832343-A-G.
Other names: c.46A>G, p.Asn16Asp (NM_001278463.2, NM_001278464.2, NM_001278465.2 and 3 more transcripts); c.-160A>G (NM_001278466.2); short protein forms N16D.
Identifiers: ClinVar variation 4700027 (VCV004700027.1).

ClinVar aggregate classification (germline): Uncertain significance (1 of 4 stars; one submission).

gnomAD v4.1: 1 of 1,613,720 alleles (0.000062%); highest among the groups gnomAD compares: African/African-American, 0.0013%; no homozygotes.

Submission:

Labcorp Genetics (formerly Invitae), Labcorp
Classification: Uncertain significance. Last evaluated: 2025-04-11. Review status: criteria provided, single submitter. Criteria: Invitae Variant Classification Sherloc (09022015). Collection method: clinical testing. Allele origin: germline.
Comment: This sequence change replaces asparagine, which is neutral and polar, with aspartic acid, which is acidic and polar, at codon 16 of the DNM1L protein (p.Asn16Asp). This variant is not present in population databases (gnomAD no frequency). This variant has not been reported in the literature in individuals affected with DNM1L-related conditions. An algorithm developed to predict the effect of missense changes on protein structure and function (PolyPhen-2) suggests that this variant is likely to be tolerated. In summary, the available evidence is currently insufficient to determine the role of this variant in disease. Therefore, it has been classified as a Variant of Uncertain Significance.